The following is an entry in ClinVar:

NM_006421.5(ARFGEF1):c.1865G>A (p.Cys622Tyr)

Gene: ARFGEF1 (ARF guanine nucleotide exchange factor 1; minus strand). Cytogenetic location: 8q13.2.
Variant type: single nucleotide variant.
Coding change: c.1865G>A on transcript NM_006421.5 (MANE Select); coding-DNA position 1865, G replaced by A.
Protein change: p.Cys622Tyr; replaces cysteine 622 with tyrosine.
Molecular consequence: missense variant. On other transcripts: non-coding transcript variant (1).
Genome position (GRCh38, 1-based): chr8:67,266,932, C>T on the plus strand (G>A on the coding strand, the complement: ARFGEF1 is on the minus strand). VCF-style: chr8-67266932-C-T. GRCh37 (hg19) VCF-style: chr8-68179167-C-T.
Other names: c.1865G>A (NM_006421.4); c.1865G>A, p.Cys622Tyr (NM_001413186.1, NM_001413187.1, NM_001413189.1 and 7 more transcripts); c.1265G>A, p.Cys422Tyr (NM_001413188.1, NM_001413193.1, NM_001413197.1); c.440G>A, p.Cys147Tyr (NM_001413196.1); short protein forms C147Y, C422Y, C622Y.
Identifiers: ClinVar variation 2658640 (VCV002658640.25), dbSNP rs1804875521, ClinGen allele CA371216260.

ClinVar aggregate classification (germline): Uncertain significance. Review status: criteria provided, multiple submitters, no conflicts (2 of 4 stars). 2 submissions from 2 submitters: Uncertain significance (2). Last evaluated 2024-05-08.

Allele frequency attached by ClinVar (database versions not stated): TOPMed 0.00001.

Submissions (2):

GeneDx
Classification: Uncertain significance. Last evaluated: 2024-05-08. Review status: criteria provided, single submitter. Criteria: GeneDx Variant Classification Process June 2021. Collection method: clinical testing. Allele origin: germline. Affected: yes.
Comment: Not observed at significant frequency in large population cohorts (gnomAD); In silico analysis supports that this missense variant has a deleterious effect on protein structure/function; Has not been previously published as pathogenic or benign to our knowledge

CeGaT Center for Human Genetics Tuebingen
Classification: Uncertain significance. Last evaluated: 2023-10-01. Review status: criteria provided, single submitter. Criteria: CeGaT Center For Human Genetics Tuebingen Variant Classification Criteria Version 2. Collection method: clinical testing. Allele origin: germline. Affected: yes. Observed: 1 variant allele.
Comment: ARFGEF1: PM2, PP2